The following is an entry in ClinVar:

NM_001037.5(SCN1B):c.448+345C>T

Gene: SCN1B (sodium voltage-gated channel beta subunit 1; plus strand). Cytogenetic location: 19q13.11.
Variant type: single nucleotide variant.
Coding change: c.448+345C>T on transcript NM_001037.5 (MANE Select); 345 bases into the intron after coding-DNA position 448, C replaced by T.
Molecular consequence: intron variant. On other transcripts: missense variant (1).
Genome position (GRCh38, 1-based): chr19:35,034,084, C>T. VCF-style: chr19-35034084-C-T. GRCh37 (hg19) VCF-style: chr19-35524988-C-T.
Other names: p.R265W:CGG>TGG; c.793C>T, p.Arg265Trp (NM_199037.5); c.349+345C>T (NM_001321605.2); short protein forms R265W.
Identifiers: ClinVar variation 190866 (VCV000190866.12), dbSNP rs754815235, ClinGen allele CA302167.

ClinVar aggregate classification (germline): Conflicting classifications of pathogenicity. Review status: criteria provided, conflicting classifications (1 of 4 stars). 3 submissions from 3 submitters: Uncertain significance (2); Likely benign (1). Last evaluated 2025-11-23.

Conditions:
Brugada syndrome 5 (BRGDA5). Identifiers: Orphanet 130, Orphanet 871, MedGen C2748541, MONDO:0013015, OMIM 612838.

Allele frequency attached by ClinVar (database versions not stated): gnomAD exomes 0.00003 and 0.00006; ExAC 0.00005; gnomAD 0.00019 and 0.00021; TOPMed 0.00021.
gnomAD v4.1: 82 of 1,551,450 alleles (0.0053%); highest among the groups gnomAD compares: African/African-American, 0.075%; no homozygotes.

Submissions (3):

Labcorp Genetics (formerly Invitae), Labcorp
Classification: Uncertain significance for Brugada syndrome 5. Last evaluated: 2025-11-23. Review status: criteria provided, single submitter. Criteria: Invitae Variant Classification Sherloc (09022015). Collection method: clinical testing. Allele origin: germline.
Comment: This sequence change replaces arginine, which is basic and polar, with tryptophan, which is neutral and slightly polar, at codon 265 of the SCN1B protein (p.Arg265Trp). This variant is present in population databases (rs754815235, gnomAD 0.04%). This variant has not been reported in the literature in individuals affected with SCN1B-related conditions. ClinVar contains an entry for this variant (Variation ID: 190866). An algorithm developed to predict the effect of missense changes on protein structure and function outputs the following: PolyPhen-2: "Possibly Damaging". The tryptophan amino acid residue is found in multiple mammalian species, which suggests that this missense change does not adversely affect protein function. In summary, the available evidence is currently insufficient to determine the role of this variant in disease. Therefore, it has been classified as a Variant of Uncertain Significance.

Women's Health and Genetics/Laboratory Corporation of America, LabCorp
Classification: Uncertain significance. Last evaluated: 2024-05-02. Review status: criteria provided, single submitter. Criteria: LabCorp Variant Classification Summary - May 2015. Collection method: clinical testing. Allele origin: germline.
Comment: Variant summary: SCN1B c.793C>T (p.Arg265Trp) results in a non-conservative amino acid change in the encoded protein sequence. Three of five in-silico tools predict a benign effect of the variant on protein function. The variant allele was found at a frequency of 5.9e-05 in 153834 control chromosomes (gnomAD). The available data on variant occurrences in the general population are insufficient to allow any conclusion about variant significance. To our knowledge, no occurrence of c.793C>T in individuals affected with SCN1B-Related Disorders and no experimental evidence demonstrating its impact on protein function have been reported. ClinVar contains an entry for this variant (Variation ID: 190866). Based on the evidence outlined above, the variant was classified as uncertain significance.

GeneDx
Classification: Likely benign. Last evaluated: 2020-10-12. Review status: criteria provided, single submitter. Criteria: GeneDx Variant Classification Process June 2021. Collection method: clinical testing. Allele origin: germline. Affected: yes.
Comment: Has not been previously published as pathogenic or benign to our knowledge; In silico analysis supports that this missense variant does not alter protein structure/function